The following is an entry in ClinVar:

NM_024339.5(THOC6):c.493C>T (p.Arg165Trp)

Gene: THOC6 (THO complex subunit 6; plus strand). Cytogenetic location: 16p13.3.
Variant type: single nucleotide variant.
Coding change: c.493C>T on transcript NM_024339.5 (MANE Select); coding-DNA position 493, C replaced by T.
Protein change: p.Arg165Trp; replaces arginine 165 with tryptophan.
Molecular consequence: missense variant.
Genome position (GRCh38, 1-based): chr16:3,026,688, C>T. VCF-style: chr16-3026688-C-T. GRCh37 (hg19) VCF-style: chr16-3076689-C-T.
Other names: c.493C>T (NM_024339.3); c.493C>T, p.Arg165Trp (NM_001142350.3, NM_001347704.2); c.421C>T, p.Arg141Trp (NM_001347703.2); short protein forms R141W, R165W.
Identifiers: ClinVar variation 3376246 (VCV003376246.2).
Genomic context (GRCh38, chr16:3,026,688, plus strand): 5'-GGAGAGGCACTCTTCCTAGGTCTCCTCCTGACATCGCCCCTCTACATGCAGAGGGTCCTC[C>T]GGGGCCACACAGACTACATCCACTGCCTGGCACTGCGGGAAAGGAGCCCAGAGGTGCTGT-3'
Protein context (NP_077315.2, residues 155-175): LETGTFTRVL[Arg165Trp]GHTDYIHCLA

ClinVar aggregate classification (germline): Uncertain significance. Review status: criteria provided, multiple submitters, no conflicts (2 of 4 stars). 2 submissions from 2 submitters: Uncertain significance (2). Last evaluated 2025-03-04.

Conditions:
THOC6-related developmental delay-microcephaly-facial dysmorphism syndrome. Also called: Beaulieu-Boycott-Innes syndrome; THOC6 Intellectual Disability Syndrome; Microcephaly, mental retardation, and distinctive facies, with cardiac and genitourinary malformations. Identifiers: Orphanet 363444, MedGen C3150939, MONDO:0013362, OMIM 613680.
Inborn genetic diseases. Identifiers: MedGen C0950123, MeSH D030342.

gnomAD v4.1: 15 of 1,612,368 alleles (0.00093%); highest among the groups gnomAD compares: South Asian, 0.0022%; no homozygotes.

Submissions (2):

Ambry Genetics
Classification: Uncertain significance for Inborn genetic diseases. Last evaluated: 2025-03-04. Review status: criteria provided, single submitter. Criteria: Ambry Variant Classification Scheme 2023. Collection method: clinical testing. Allele origin: germline.

Pittsburgh Clinical Genomics Laboratory, University of Pittsburgh Medical Center
Classification: Uncertain significance for THOC6-related developmental delay-microcephaly-facial dysmorphism syndrome. Last evaluated: 2021-07-02. Review status: criteria provided, single submitter. Criteria: ACMG Guidelines, 2015. Collection method: clinical testing. Allele origin: germline. Inheritance: Autosomal recessive inheritance. Affected: yes.
Comment: This sequence variant is a single nucleotide substitution (C>T) that results in an arginine to tryptophan amino acid change at residue 165 in the THOC6 protein. This is a rare variant in control population datasets (gnomAD database, 3/248,250 alleles, .0012%) that has not been reported in individuals with Beaulieu-Boycott-Innes syndrome, to our knowledge. In silico tools predict that this arginine to tryptophan amino acid change would be damaging and the arginine at this position is highly conserved across mammalian species examined. Functiol studies assessing the effect of this variant on THOC6 function have not been performed, to our knowledge. At this time, there is insufficient evidence to determine if this variant is pathogenic or benign. Therefore, we consider the significance of this variant to be uncertain. ACMG Criteria: PM2, PP3